The following is an entry in ClinVar:

ClinVar aggregate classification (germline): Uncertain significance. Review status: criteria provided, multiple submitters, no conflicts (2 of 4 stars). 3 submissions from 3 submitters: Uncertain significance (3). Last evaluated 2026-03-10.

Conditions:
RASopathy. Also called: rasopathies; Noonan spectrum disorder. Identifiers: Orphanet 536391, MedGen C5555857, MONDO:0021060.
Noonan syndrome 1 (NS1). Also called: FEMALE PSEUDO-TURNER SYNDROME; TURNER PHENOTYPE WITH NORMAL KARYOTYPE; PTPN11-Related Noonan Syndrome. Identifiers: Orphanet 648, MedGen C4551602, MONDO:0008104, OMIM 163950. Disease mechanism: gain of function.
Cardiovascular phenotype. Identifiers: MedGen CN230736.

Submissions (3):

Helix
Classification: Uncertain significance for Noonan syndrome 1. Last evaluated: 2026-03-10. Review status: criteria provided, single submitter. Criteria: ACMG Guidelines, 2015. Collection method: clinical testing. Allele origin: germline. Inheritance: Autosomal dominant inheritance.
Comment: This variant (NM_004333.6:c.898A>C p.Ile300Leu) results in the substitution of isoleucine with leucine at codon 300 in the BRAF protein. It is a rare variant that is absent from the large gnomAD population database (v4.1). To our knowledge, this variant has not been reported in individuals with BRAF-related conditions in the published literature. In silico prediction from REVEL (PMID: 27666373) suggests that this variant may be benign. This variant is present in ClinVar (Accession: VCV002833434.4). In conclusion, since the available evidence is limited, the clinical significance of this variant is unclear at this time. Therefore, it is classified as a Variant of Uncertain Significance.

Ambry Genetics
Classification: Uncertain significance for Cardiovascular phenotype. Last evaluated: 2025-05-17. Review status: criteria provided, single submitter. Criteria: Ambry Variant Classification Scheme 2023. Collection method: clinical testing. Allele origin: germline.
Comment: The p.I300L variant (also known as c.898A>C), located in coding exon 7 of the BRAF gene, results from an A to C substitution at nucleotide position 898. The isoleucine at codon 300 is replaced by leucine, an amino acid with highly similar properties. This amino acid position is conserved. In addition, this alteration is predicted to be tolerated by in silico analysis. Based on the available evidence, the clinical significance of this variant remains unclear.

Labcorp Genetics (formerly Invitae), Labcorp
Classification: Uncertain significance for RASopathy. Last evaluated: 2023-04-22. Review status: criteria provided, single submitter. Criteria: Invitae Variant Classification Sherloc (09022015). Collection method: clinical testing. Allele origin: germline.
Comment: This variant has not been reported in the literature in individuals affected with BRAF-related conditions. This variant is not present in population databases (gnomAD no frequency). This sequence change replaces isoleucine, which is neutral and non-polar, with leucine, which is neutral and non-polar, at codon 300 of the BRAF protein (p.Ile300Leu). In summary, the available evidence is currently insufficient to determine the role of this variant in disease. Therefore, it has been classified as a Variant of Uncertain Significance. Advanced modeling of protein sequence and biophysical properties (such as structural, functional, and spatial information, amino acid conservation, physicochemical variation, residue mobility, and thermodynamic stability) performed at Invitae indicates that this missense variant is not expected to disrupt BRAF protein function.

NM_004333.6(BRAF):c.898A>C (p.Ile300Leu)

Gene: BRAF (B-Raf proto-oncogene, serine/threonine kinase; minus strand). Cytogenetic location: 7q34.
Variant type: single nucleotide variant.
Coding change: c.898A>C on transcript NM_004333.6 (MANE Select); coding-DNA position 898, A replaced by C.
Protein change: p.Ile300Leu; replaces isoleucine 300 with leucine.
Molecular consequence: missense variant.
Genome position (GRCh38, 1-based): chr7:140,800,444, T>G on the plus strand (A>C on the coding strand, the complement: BRAF is on the minus strand). VCF-style: chr7-140800444-T-G. GRCh37 (hg19) VCF-style: chr7-140500244-T-G.
Other names: c.898A>C, p.Ile300Leu (NM_001354609.2, NM_001374244.1, NM_001374258.1 and 4 more transcripts); c.907A>C, p.Ile303Leu (NM_001378467.1); c.796A>C, p.Ile266Leu (NM_001378470.1); c.742A>C, p.Ile248Leu (NM_001378472.1, NM_001378473.1); c.634A>C, p.Ile212Leu (NM_001378475.1); short protein forms I300L, I303L, I266L, I212L, I248L.
Identifiers: ClinVar variation 2833434 (VCV002833434.5), dbSNP rs372239545, ClinGen allele CA369590470.